The following is an entry in ClinVar:

NM_006944.3(SPP2):c.542G>A (p.Arg181Gln)

Gene: SPP2 (secreted phosphoprotein 2; plus strand). Cytogenetic location: 2q37.1.
Variant type: single nucleotide variant.
Coding change: c.542G>A on transcript NM_006944.3 (MANE Select); coding-DNA position 542, G replaced by A.
Protein change: p.Arg181Gln; replaces arginine 181 with glutamine.
Molecular consequence: missense variant.
Genome position (GRCh38, 1-based): chr2:234,067,266, G>A. VCF-style: chr2-234067266-G-A. GRCh37 (hg19) VCF-style: chr2-234975910-G-A.
Other names: short protein forms R181Q.
Identifiers: ClinVar variation 1040705 (VCV001040705.6), dbSNP rs764495552, ClinGen allele CA2183250.

ClinVar aggregate classification (germline): Uncertain significance (1 of 4 stars; one submission).

Allele frequency attached by ClinVar (database versions not stated): gnomAD exomes 0.00003 and 0.00005; TOPMed 0.00003; gnomAD 0.00005; ExAC 0.00007.
gnomAD v4.1: 59 of 1,613,676 alleles (0.0037%); highest among the groups gnomAD compares: Non-Finnish European, 0.0045%; no homozygotes.

Submission:

Labcorp Genetics (formerly Invitae), Labcorp
Classification: Uncertain significance. Last evaluated: 2025-05-01. Review status: criteria provided, single submitter. Criteria: Invitae Variant Classification Sherloc (09022015). Collection method: clinical testing. Allele origin: germline.
Comment: This sequence change replaces arginine, which is basic and polar, with glutamine, which is neutral and polar, at codon 181 of the SPP2 protein (p.Arg181Gln). This variant is present in population databases (rs764495552, gnomAD 0.009%). This variant has not been reported in the literature in individuals affected with SPP2-related conditions. ClinVar contains an entry for this variant (Variation ID: 1040705). An algorithm developed to predict the effect of missense changes on protein structure and function outputs the following: PolyPhen-2: "Benign". The glutamine amino acid residue is found in multiple mammalian species, which suggests that this missense change does not adversely affect protein function. In summary, the available evidence is currently insufficient to determine the role of this variant in disease. Therefore, it has been classified as a Variant of Uncertain Significance.